The following is an entry in ClinVar:

ClinVar aggregate classification (germline): Uncertain significance. Review status: criteria provided, multiple submitters, no conflicts (2 of 4 stars). 3 submissions from 3 submitters: Uncertain significance (3). Last evaluated 2025-09-19.

Conditions:
Hereditary cancer-predisposing syndrome. Also called: Hereditary neoplastic syndrome; Tumor predisposition; Neoplastic Syndromes, Hereditary; Hereditary Cancer Syndrome. Identifiers: Orphanet 140162, MedGen C0027672, MeSH D009386, MONDO:0015356.
Parathyroid carcinoma (PRTC). Also called: Parathyroid gland carcinoma; CDC73-Related Parathyroid Carcinoma. Identifiers: Orphanet 143, MedGen C0687150, MONDO:0012004, OMIM 608266, HP:0006780.
Hyperparathyroidism 1 (HRPT1). Also called: HYPERPARATHYROIDISM, FAMILIAL ISOLATED PRIMARY. Identifiers: Orphanet 99879, MedGen C1840402, MONDO:0007767, OMIM 145000.
Hyperparathyroidism 2 with jaw tumors. Also called: Hyperparathyroidism-Jaw Tumor Syndrome; Hyperparathyroidism 2; HYPERPARATHYROIDISM, FAMILIAL PRIMARY, WITH MULTIPLE OSSIFYING JAW FIBROMAS; HYPERPARATHYROIDISM-JAW TUMOR SYNDROME, HEREDITARY. Identifiers: Orphanet 99880, MedGen C1704981, MONDO:0007768, OMIM 145001.

Submissions (3):

Labcorp Genetics (formerly Invitae), Labcorp
Classification: Uncertain significance for Parathyroid carcinoma. Last evaluated: 2025-09-19. Review status: criteria provided, single submitter. Criteria: Invitae Variant Classification Sherloc (09022015). Collection method: clinical testing. Allele origin: germline.
Comment: This sequence change replaces lysine, which is basic and polar, with methionine, which is neutral and non-polar, at codon 243 of the CDC73 protein (p.Lys243Met). This variant is not present in population databases (gnomAD no frequency). This variant has not been reported in the literature in individuals affected with CDC73-related conditions. ClinVar contains an entry for this variant (Variation ID: 860535). An algorithm developed to predict the effect of missense changes on protein structure and function (PolyPhen-2) suggests that this variant is likely to be disruptive. In summary, the available evidence is currently insufficient to determine the role of this variant in disease. Therefore, it has been classified as a Variant of Uncertain Significance.

Ambry Genetics
Classification: Uncertain significance for Hereditary cancer-predisposing syndrome. Last evaluated: 2024-06-07. Review status: criteria provided, single submitter. Criteria: Ambry Variant Classification Scheme 2023. Collection method: clinical testing. Allele origin: germline.
Comment: The p.K243M variant (also known as c.728A>T), located in coding exon 7 of the CDC73 gene, results from an A to T substitution at nucleotide position 728. The lysine at codon 243 is replaced by methionine, an amino acid with similar properties. This amino acid position is conserved. In addition, the in silico prediction for this alteration is inconclusive. Based on the available evidence, the clinical significance of this variant remains unclear.

Fulgent Genetics
Classification: Uncertain significance for Hyperparathyroidism 1; Hyperparathyroidism 2 with jaw tumors; Parathyroid carcinoma. Last evaluated: 2021-09-27. Review status: criteria provided, single submitter. Criteria: ACMG Guidelines, 2015. Collection method: clinical testing. Allele origin: unknown.

NM_024529.5(CDC73):c.728A>T (p.Lys243Met)

Gene: CDC73 (cell division cycle 73; plus strand). Cytogenetic location: 1q31.2.
Variant type: single nucleotide variant.
Coding change: c.728A>T on transcript NM_024529.5 (MANE Select); coding-DNA position 728, A replaced by T.
Protein change: p.Lys243Met; replaces lysine 243 with methionine.
Molecular consequence: missense variant.
Genome position (GRCh38, 1-based): chr1:193,142,065, A>T. VCF-style: chr1-193142065-A-T. GRCh37 (hg19) VCF-style: chr1-193111195-A-T.
Other names: short protein forms K243M.
Identifiers: ClinVar variation 860535 (VCV000860535.12), dbSNP rs1675915771, ClinGen allele CA343962858.